The following is an entry in ClinVar:

NM_016341.4(PLCE1):c.4363dup (p.Thr1455fs)

Gene: PLCE1 (phospholipase C epsilon 1; plus strand). Cytogenetic location: 10q23.33.
Variant type: Duplication.
Coding change: c.4363dup on transcript NM_016341.4 (MANE Select); coding-DNA position 4363, one base duplicated (A; older notation c.4363dupA).
Protein change: p.Thr1455fs; shifts the reading frame from threonine 1455.
Molecular consequence: frameshift variant.
Genome position (GRCh38, 1-based): chr10:94,269,010, A duplicated. VCF-style (leftmost placement, unchanged base first): chr10-94269009-T-TA. GRCh37 (hg19) VCF-style: chr10-96028766-T-TA.
Other names: c.3439dup, p.Thr1147fs (NM_001165979.2); c.4315dup, p.Thr1439fs (NM_001288989.2); short protein forms T1147fs, T1439fs, T1455fs.
Identifiers: ClinVar variation 1179035 (VCV001179035.2), dbSNP rs2133104138, ClinGen allele CA2499220511.

ClinVar aggregate classification (germline): Pathogenic (1 of 4 stars; one submission).

Conditions:
Nephrotic syndrome, type 3 (NPHS3). Also called: NEPHROTIC SYNDROME, EARLY-ONSET, TYPE 3. Identifiers: Orphanet 656, MedGen C1853124, MONDO:0012546, OMIM 610725.

Allele frequency attached by ClinVar (database versions not stated): gnomAD exomes below 0.00001.

Submission:

Fulgent Genetics
Classification: Pathogenic for Nephrotic syndrome, type 3. Last evaluated: 2021-06-30. Review status: criteria provided, single submitter. Criteria: ACMG Guidelines, 2015. Collection method: clinical testing. Allele origin: unknown.
Comment: This variant has been detected in individual(s) who were sent for testing of Renasight - kidney gene panel.